The following is an entry in ClinVar:

NM_006231.4(POLE):c.6179C>G (p.Thr2060Ser)

Gene: POLE (DNA polymerase epsilon, catalytic subunit; minus strand). Cytogenetic location: 12q24.33.
Variant type: single nucleotide variant.
Coding change: c.6179C>G on transcript NM_006231.4 (MANE Select); coding-DNA position 6179, C replaced by G.
Protein change: p.Thr2060Ser; replaces threonine 2060 with serine.
Molecular consequence: missense variant.
Genome position (GRCh38, 1-based): chr12:132,632,466, G>C on the plus strand (C>G on the coding strand, the complement: POLE is on the minus strand). VCF-style: chr12-132632466-G-C. GRCh37 (hg19) VCF-style: chr12-133209052-G-C.
Other names: short protein forms T2060S.
Identifiers: ClinVar variation 577502 (VCV000577502.13), dbSNP rs761423995, ClinGen allele CA6892252.

ClinVar aggregate classification (germline): Uncertain significance. Review status: criteria provided, multiple submitters, no conflicts (2 of 4 stars). 2 submissions from 2 submitters: Uncertain significance (2). Last evaluated 2025-05-02.

Conditions:
Hereditary cancer-predisposing syndrome. Also called: Tumor predisposition; Hereditary neoplastic syndrome; Hereditary Cancer Syndrome; Neoplastic Syndromes, Hereditary. Identifiers: Orphanet 140162, MedGen C0027672, MeSH D009386, MONDO:0015356.

Allele frequency attached by ClinVar (database versions not stated): gnomAD exomes below 0.00001; TOPMed below 0.00001; ExAC 0.00001.
gnomAD v4.1: 3 of 1,614,124 alleles (0.00019%); highest among the groups gnomAD compares: African/African-American, 0.0013%; no homozygotes.

Submissions (2):

Labcorp Genetics (formerly Invitae), Labcorp
Classification: Uncertain significance. Last evaluated: 2025-05-02. Review status: criteria provided, single submitter. Criteria: Invitae Variant Classification Sherloc (09022015). Collection method: clinical testing. Allele origin: germline.
Comment: This sequence change replaces threonine, which is neutral and polar, with serine, which is neutral and polar, at codon 2060 of the POLE protein (p.Thr2060Ser). This variant is present in population databases (rs761423995, gnomAD 0.0009%). This variant has not been reported in the literature in individuals affected with POLE-related conditions. ClinVar contains an entry for this variant (Variation ID: 577502). Invitae Evidence Modeling of protein sequence and biophysical properties (such as structural, functional, and spatial information, amino acid conservation, physicochemical variation, residue mobility, and thermodynamic stability) indicates that this missense variant is not expected to disrupt POLE protein function with a negative predictive value of 80%. In summary, the available evidence is currently insufficient to determine the role of this variant in disease. Therefore, it has been classified as a Variant of Uncertain Significance.

Ambry Genetics
Classification: Uncertain significance for Hereditary cancer-predisposing syndrome. Last evaluated: 2024-02-06. Review status: criteria provided, single submitter. Criteria: Ambry Variant Classification Scheme 2023. Collection method: clinical testing. Allele origin: germline.
Comment: The p.T2060S variant (also known as c.6179C>G), located in coding exon 45 of the POLE gene, results from a C to G substitution at nucleotide position 6179. The threonine at codon 2060 is replaced by serine, an amino acid with similar properties. This amino acid position is conserved. In addition, this alteration is predicted to be tolerated by in silico analysis. Since supporting evidence is limited at this time, the clinical significance of this alteration remains unclear.